The following is an entry in ClinVar:

NM_002474.3(MYH11):c.5787-230C>A

Genes: MYH11 (myosin heavy chain 11; minus strand), NDE1 (nudE neurodevelopment protein 1; plus strand). Cytogenetic location: 16p13.11.
Variant type: single nucleotide variant.
Coding change: c.5787-230C>A on transcript NM_002474.3 (MANE Select); 230 bases into the intron before coding-DNA position 5787, C replaced by A.
Molecular consequence: intron variant.
Genome position (GRCh38, 1-based): chr16:15,704,353, G>T on the plus strand (C>A on the coding strand, the complement: MYH11 is on the minus strand). VCF-style: chr16-15704353-G-T. GRCh37 (hg19) VCF-style: chr16-15798210-G-T.
Other names: c.947+7493G>T (NM_001143979.2, NM_017668.3); c.*9-230C>A (NM_022844.3, NM_001040113.2); c.5808-230C>A (NM_001040114.2).
Identifiers: ClinVar variation 678516 (VCV000678516.1), dbSNP rs2242549, ClinGen allele CA14241608.
Genomic context (GRCh38, chr16:15,704,353, plus strand): 5'-CAACAAATCATTGCCAGTCTTAAGGCATGAGTGATTGAATTTAATCAGCTGAAATTGGTT[G>T]CGGGGGTGGGTGGAGAAGGTTTTTCAAAGCAAGACGATCTGCTTTTCAATATGTCAGGCT-3'

ClinVar aggregate classification (germline): Benign (1 of 4 stars; one submission).

Allele frequency attached by ClinVar (database versions not stated): gnomAD 0.53349 and 0.53868; TOPMed 0.53531; 1000 Genomes Project 30x 0.53795; 1000 Genomes Project 0.54213.
gnomAD v4.1: 81,919 of 151,856 alleles (54%); highest among the groups gnomAD compares: Middle Eastern, 66%; 22,806 homozygotes.

Submission:

GeneDx
Classification: Benign. Last evaluated: 2018-06-14. Review status: criteria provided, single submitter. Criteria: GeneDx Variant Classification (06012015). Collection method: clinical testing. Allele origin: germline. Affected: yes.
Comment: This variant is considered likely benign or benign based on one or more of the following criteria: it is a conservative change, it occurs at a poorly conserved position in the protein, it is predicted to be benign by multiple in silico algorithms, and/or has population frequency not consistent with disease.